The following is an entry in ClinVar:

ClinVar aggregate classification (germline): Uncertain significance. Review status: criteria provided, multiple submitters, no conflicts (2 of 4 stars). 2 submissions from 2 submitters: Uncertain significance (2). Last evaluated 2025-04-18.

Conditions:
Familial thoracic aortic aneurysm and aortic dissection (TAAD). Also called: Thoracic aortic aneurysms and dissections. Identifiers: Orphanet 91387, MedGen C4707243, MONDO:0019625.

gnomAD v4.1: 1 of 1,612,696 alleles (0.000062%); highest among the groups gnomAD compares: East Asian, 0.0022%; no homozygotes.

Submissions (2):

Ambry Genetics
Classification: Uncertain significance for Familial thoracic aortic aneurysm and aortic dissection. Last evaluated: 2025-04-18. Review status: criteria provided, single submitter. Criteria: Ambry Variant Classification Scheme 2023. Collection method: clinical testing. Allele origin: germline.
Comment: The p.G17R variant (also known as c.49G>C), located in coding exon 1 of the SMAD3 gene, results from a G to C substitution at nucleotide position 49. The glycine at codon 17 is replaced by arginine, an amino acid with dissimilar properties. This amino acid position is well conserved in available vertebrate species. In addition, the in silico prediction for this alteration is inconclusive. Based on the available evidence, the clinical significance of this variant remains unclear.

Labcorp Genetics (formerly Invitae), Labcorp
Classification: Uncertain significance for Familial thoracic aortic aneurysm and aortic dissection. Last evaluated: 2024-03-18. Review status: criteria provided, single submitter. Criteria: Invitae Variant Classification Sherloc (09022015). Collection method: clinical testing. Allele origin: germline.
Comment: This sequence change replaces glycine, which is neutral and non-polar, with arginine, which is basic and polar, at codon 17 of the SMAD3 protein (p.Gly17Arg). This variant is present in population databases (no rsID available, gnomAD 0.006%). This variant has not been reported in the literature in individuals affected with SMAD3-related conditions. Advanced modeling of protein sequence and biophysical properties (such as structural, functional, and spatial information, amino acid conservation, physicochemical variation, residue mobility, and thermodynamic stability) performed at Invitae indicates that this missense variant is not expected to disrupt SMAD3 protein function with a negative predictive value of 80%. In summary, the available evidence is currently insufficient to determine the role of this variant in disease. Therefore, it has been classified as a Variant of Uncertain Significance.

NM_005902.4(SMAD3):c.49G>C (p.Gly17Arg)

Gene: SMAD3 (SMAD family member 3; plus strand). Cytogenetic location: 15q22.33.
Variant type: single nucleotide variant.
Coding change: c.49G>C on transcript NM_005902.4 (MANE Select); coding-DNA position 49, G replaced by C.
Protein change: p.Gly17Arg; replaces glycine 17 with arginine.
Molecular consequence: missense variant.
Genome position (GRCh38, 1-based): chr15:67,066,203, G>C. VCF-style: chr15-67066203-G-C. GRCh37 (hg19) VCF-style: chr15-67358541-G-C.
Other names: c.49G>C, p.Gly17Arg (NM_001407011.1, NM_001407012.1, NM_001407013.1); c.49G>C (NM_005902.3); short protein forms G17R.
Identifiers: ClinVar variation 3645409 (VCV003645409.3).
Genomic context (GRCh38, chr15:67,066,203, plus strand): 5'-CCCTCCCCAGCCATGTCGTCCATCCTGCCTTTCACTCCCCCGATCGTGAAGCGCCTGCTG[G>C]GCTGGAAGAAGGGCGAGCAGAACGGGCAGGAGGAGAAATGGTGCGAGAAGGCGGTCAAGA-3'
Protein context (NP_005893.1, residues 7-27): FTPPIVKRLL[Gly17Arg]WKKGEQNGQE